The following is an entry in ClinVar:

NM_003184.4(TAF2):c.2654A>G (p.Asp885Gly)

Gene: TAF2 (TATA-box binding protein associated factor 2; minus strand). Cytogenetic location: 8q24.12.
Variant type: single nucleotide variant.
Coding change: c.2654A>G on transcript NM_003184.4 (MANE Select); coding-DNA position 2654, A replaced by G.
Protein change: p.Asp885Gly; replaces aspartic acid 885 with glycine.
Molecular consequence: missense variant.
Genome position (GRCh38, 1-based): chr8:119,760,643, T>C on the plus strand (A>G on the coding strand, the complement: TAF2 is on the minus strand). VCF-style: chr8-119760643-T-C. GRCh37 (hg19) VCF-style: chr8-120772883-T-C.
Other names: short protein forms D885G.
Identifiers: ClinVar variation 1698568 (VCV001698568.2), dbSNP rs1820999112, ClinGen allele CA371892374.

ClinVar aggregate classification (germline): Uncertain significance. Review status: criteria provided, multiple submitters, no conflicts (2 of 4 stars). 2 submissions from 2 submitters: Uncertain significance (2). Last evaluated 2025-08-27.

Conditions:
Inborn genetic diseases. Identifiers: MedGen C0950123, MeSH D030342.

gnomAD v4.1: 5 of 1,613,900 alleles (0.00031%); highest among the groups gnomAD compares: Non-Finnish European, 0.00042%; no homozygotes.

Submissions (2):

Ambry Genetics
Classification: Uncertain significance for Inborn genetic diseases. Last evaluated: 2025-08-27. Review status: criteria provided, single submitter. Criteria: Ambry Variant Classification Scheme 2023. Collection method: clinical testing. Allele origin: germline.

Women's Health and Genetics/Laboratory Corporation of America, LabCorp
Classification: Uncertain significance. Last evaluated: 2022-06-15. Review status: criteria provided, single submitter. Criteria: LabCorp Variant Classification Summary - May 2015. Collection method: clinical testing. Allele origin: germline.
Comment: Variant summary: TAF2 c.2654A>G (p.Asp885Gly) results in a non-conservative amino acid change in the encoded protein sequence. Three of five in-silico tools predict a damaging effect of the variant on protein function. The variant was absent in 250996 control chromosomes (gnomAD). The available data on variant occurrences in the general population are insufficient to allow any conclusion about variant significance. To our knowledge, no occurrence of c.2654A>G in individuals affected with Microcephaly-Thin Corpus Callosum-Intellectual Disability Syndrome and no experimental evidence demonstrating its impact on protein function have been reported. No clinical diagnostic laboratories have submitted clinical-significance assessments for this variant to ClinVar after 2014. Based on the evidence outlined above, the variant was classified as uncertain significance.